The following is an entry in ClinVar:

ClinVar aggregate classification (germline): Uncertain significance (1 of 4 stars; one submission).

Submission:

CeGaT Center for Human Genetics Tuebingen
Classification: Uncertain significance. Last evaluated: 2024-08-01. Review status: criteria provided, single submitter. Criteria: CeGaT Center For Human Genetics Tuebingen Variant Classification Criteria Version 2. Collection method: clinical testing. Allele origin: germline. Affected: yes. Observed: 1 variant allele.
Comment: LTBP1: PM2

NM_206943.4(LTBP1):c.542C>G (p.Pro181Arg)

Gene: LTBP1 (latent transforming growth factor beta binding protein 1; plus strand). Cytogenetic location: 2p22.3.
Variant type: single nucleotide variant.
Coding change: c.542C>G on transcript NM_206943.4 (MANE Select); coding-DNA position 542, C replaced by G.
Protein change: p.Pro181Arg; replaces proline 181 with arginine.
Molecular consequence: missense variant.
Genome position (GRCh38, 1-based): chr2:32,948,922, C>G. VCF-style: chr2-32948922-C-G. GRCh37 (hg19) VCF-style: chr2-33173989-C-G.
Other names: c.542C>G, p.Pro181Arg (NM_001394905.1); short protein forms P181R.
Identifiers: ClinVar variation 3342088 (VCV003342088.16).